The following is an entry in ClinVar:

NM_015681.6(B9D1):c.90C>T (p.Cys30=)

Gene: B9D1 (B9 domain containing 1; minus strand). Cytogenetic location: 17p11.2.
Variant type: single nucleotide variant.
Coding change: c.90C>T on transcript NM_015681.6 (MANE Select); coding-DNA position 90, C replaced by T.
Protein change: p.Cys30=; no amino-acid change (cysteine 30 retained).
Molecular consequence: synonymous variant. On other transcripts: 5 prime UTR variant (1).
Genome position (GRCh38, 1-based): chr17:19,360,362, G>A on the plus strand (C>T on the coding strand, the complement: B9D1 is on the minus strand). VCF-style: chr17-19360362-G-A. GRCh37 (hg19) VCF-style: chr17-19263675-G-A.
Other names: c.90C>T, p.Cys30= (NM_001321214.2, NM_001321215.3, NM_001321216.2 and 4 more transcripts); c.-271C>T (NM_001368769.2).
Identifiers: ClinVar variation 322199 (VCV000322199.18), dbSNP rs886052685, ClinGen allele CA10645053.

ClinVar aggregate classification (germline): Uncertain significance. Review status: criteria provided, multiple submitters, no conflicts (2 of 4 stars). 2 submissions from 2 submitters: Uncertain significance (2). Last evaluated 2025-02-01.

Conditions:
Meckel syndrome, type 9 (MKS9). Identifiers: Orphanet 564, MedGen C3280155, MONDO:0013630, OMIM 614209.

Allele frequency attached by ClinVar (database versions not stated): gnomAD exomes below 0.00001 and 0.00001.
gnomAD v4.1: 3 of 1,613,924 alleles (0.00019%); highest among the groups gnomAD compares: East Asian, 0.0045%; no homozygotes.

Submissions (2):

CeGaT Center for Human Genetics Tuebingen
Classification: Uncertain significance. Last evaluated: 2025-02-01. Review status: criteria provided, single submitter. Criteria: CeGaT Center For Human Genetics Tuebingen Variant Classification Criteria Version 2. Collection method: clinical testing. Allele origin: germline. Affected: yes. Observed: 1 variant allele.
Comment: B9D1: PM2, PP3

Illumina Laboratory Services, Illumina
Classification: Uncertain significance for Meckel syndrome, type 9. Last evaluated: 2018-01-12. Review status: criteria provided, single submitter. Criteria: ICSL Variant Classification Criteria 13 December 2019. Collection method: clinical testing. Allele origin: germline.